The following is an entry in ClinVar:

NM_001723.7(DST):c.7283C>G (p.Thr2428Arg)

Gene: DST (dystonin; minus strand). Cytogenetic location: 6p12.1.
Variant type: single nucleotide variant.
Coding change: c.7283C>G on transcript NM_001723.7 (MANE Plus Clinical); coding-DNA position 7283, C replaced by G.
Protein change: p.Thr2428Arg; replaces threonine 2428 with arginine.
Molecular consequence: missense variant. On other transcripts: intron variant (10).
Genome position (GRCh38, 1-based): chr6:56,616,184, G>C on the plus strand (C>G on the coding strand, the complement: DST is on the minus strand). VCF-style: chr6-56616184-G-C. GRCh37 (hg19) VCF-style: chr6-56480982-G-C.
Other names: c.4831-1700C>G (NM_001144769.5); c.4930-1700C>G (NM_001374722.1, NM_001374736.1); c.4957-1700C>G (NM_001374734.1); c.4417-1700C>G (NM_001144770.2); c.4297-1700C>G (NM_001374730.1, NM_001386100.1, NM_183380.4 and 1 more transcripts); c.3319-1700C>G (NM_015548.5); short protein forms T2428R.
Identifiers: ClinVar variation 571179 (VCV000571179.6), dbSNP rs867112939, ClinGen allele CA364563316.

ClinVar aggregate classification (germline): Uncertain significance (1 of 4 stars; one submission).

Conditions:
Hereditary sensory and autonomic neuropathy type 6. Also called: Neuropathy, hereditary sensory and autonomic, type VI; HSAN VI. Identifiers: Orphanet 314381, MedGen C3539003, MONDO:0013839, OMIM 614653.
Epidermolysis bullosa simplex 3, localized or generalized intermediate, with BP230 deficiency (EBS3). Also called: Epidermolysis bullosa simplex due to BP230 deficiency; Epidermolysis bullosa simplex, autosomal recessive 2. Identifiers: Orphanet 412181, MedGen C3809470, MONDO:0014180, OMIM 615425.

Allele frequency attached by ClinVar (database versions not stated): gnomAD exomes 0.00009.
gnomAD v4.1: 122 of 1,614,222 alleles (0.0076%); highest among the groups gnomAD compares: Non-Finnish European, 0.01%; no homozygotes.

Submission:

Labcorp Genetics (formerly Invitae), Labcorp
Classification: Uncertain significance for Epidermolysis bullosa simplex 3, localized or generalized intermediate, with BP230 deficiency; Hereditary sensory and autonomic neuropathy type 6. Last evaluated: 2021-08-27. Review status: criteria provided, single submitter. Criteria: Invitae Variant Classification Sherloc (09022015). Collection method: clinical testing. Allele origin: germline.
Comment: This sequence change replaces threonine with arginine at codon 2428 of the DST protein (p.Thr2428Arg). The threonine residue is weakly conserved and there is a moderate physicochemical difference between threonine and arginine. This variant is not present in population databases (ExAC no frequency). This variant has not been reported in the literature in individuals affected with DST-related conditions. Algorithms developed to predict the effect of missense changes on protein structure and function are either unavailable or do not agree on the potential impact of this missense change (SIFT: "Deleterious"; PolyPhen-2: "Benign"; Align-GVGD: "Class C15"). Algorithms developed to predict the effect of sequence changes on RNA splicing suggest that this variant may create or strengthen a splice site. In summary, the available evidence is currently insufficient to determine the role of this variant in disease. Therefore, it has been classified as a Variant of Uncertain Significance.